The following is an entry in ClinVar:

ClinVar aggregate classification (germline): Uncertain significance (1 of 4 stars; one submission).

Conditions:
Tay-Sachs disease (TSD). Also called: GM2 gangliosidosis, type 1; Hexosaminidase alpha-subunit deficiency (variant B); Sphingolipidosis, Tay-Sachs; HEXA Disorders; Hexosaminidase A Deficiency; HEXA DEFICIENCY. Identifiers: Orphanet 845, MedGen C0039373, MONDO:0010100, OMIM 272800.

Submission:

3billion
Classification: Uncertain significance for Tay-Sachs disease. Last evaluated: 2024-07-26. Review status: criteria provided, single submitter. Criteria: ACMG Guidelines, 2015. Collection method: clinical testing. Allele origin: germline. Affected: yes.
Comment: The variant is not observed in the gnomAD v4.0.0 dataset. Predicted Consequence/Location: Missense variant In silico tool predictions suggest damaging effect of the variant on gene or gene product [REVEL: 0.91 (>=0.6, sensitivity 0.68 and specificity 0.92); 3Cnet: 0.99 (>=0.6, sensitivity 0.72 and precision 0.9)]. A different missense change at the same codon (p.Trp420Cys) has been reported as pathogenic/likely pathogenic with strong evidence (ClinVar ID: VCV000003901 /PMID: 14566483, 2144098). Therefore, this variant is classified as VUS according to the recommendation of ACMG/AMP guideline.

Literature cited by the submitters: PubMed 14566483.

NM_000520.6(HEXA):c.1259G>C (p.Trp420Ser)

Gene: HEXA (hexosaminidase subunit alpha; minus strand). Cytogenetic location: 15q23.
Variant type: single nucleotide variant.
Coding change: c.1259G>C on transcript NM_000520.6 (MANE Select); coding-DNA position 1259, G replaced by C.
Protein change: p.Trp420Ser; replaces tryptophan 420 with serine.
Molecular consequence: missense variant.
Genome position (GRCh38, 1-based): chr15:72,346,598, C>G on the plus strand (G>C on the coding strand, the complement: HEXA is on the minus strand). VCF-style: chr15-72346598-C-G. GRCh37 (hg19) VCF-style: chr15-72638939-C-G.
Other names: c.1292G>C, p.Trp431Ser (NM_001318825.2); short protein forms W420S, W431S.
Identifiers: ClinVar variation 4292144 (VCV004292144.1).